The following is an entry in ClinVar:

NM_005343.4(HRAS):c.137T>C (p.Ile46Thr)

Genes: HRAS (HRas proto-oncogene, GTPase; minus strand), LRRC56 (leucine rich repeat containing 56; plus strand). Cytogenetic location: 11p15.5.
Variant type: single nucleotide variant.
Coding change: c.137T>C on transcript NM_005343.4 (MANE Select); coding-DNA position 137, T replaced by C.
Protein change: p.Ile46Thr; replaces isoleucine 46 with threonine.
Molecular consequence: missense variant. On other transcripts: 5 prime UTR variant (1).
Genome position (GRCh38, 1-based): chr11:533,919, A>G on the plus strand (T>C on the coding strand, the complement: HRAS is on the minus strand). VCF-style: chr11-533919-A-G. GRCh37 (hg19) VCF-style: chr11-533919-A-G.
Other names: c.137T>C, p.Ile46Thr (NM_001130442.3, NM_176795.5); c.-183T>C (NM_001318054.2); short protein forms I46T.
Identifiers: ClinVar variation 561731 (VCV000561731.7), dbSNP rs1564789700, ClinGen allele CA378924769.

ClinVar aggregate classification (germline): Conflicting classifications of pathogenicity. Review status: criteria provided, conflicting classifications (1 of 4 stars). 2 submissions from 2 submitters: Likely pathogenic (1); Uncertain significance (1). Last evaluated 2024-02-24.

Conditions:
Costello syndrome (CSTLO). Also called: HRAS-Related Costello Syndrome; FACIOCUTANEOSKELETAL SYNDROME; FCS SYNDROME. Identifiers: Orphanet 3071, MedGen C0587248, MONDO:0009026, OMIM 218040.

Submissions (2):

Labcorp Genetics (formerly Invitae), Labcorp
Classification: Uncertain significance for Costello syndrome. Last evaluated: 2024-02-24. Review status: criteria provided, single submitter. Criteria: Invitae Variant Classification Sherloc (09022015). Collection method: clinical testing. Allele origin: germline.
Comment: This sequence change replaces isoleucine, which is neutral and non-polar, with threonine, which is neutral and polar, at codon 46 of the HRAS protein (p.Ile46Thr). This variant is not present in population databases (gnomAD no frequency). This variant has not been reported in the literature in individuals affected with HRAS-related conditions. ClinVar contains an entry for this variant (Variation ID: 561731). Advanced modeling of protein sequence and biophysical properties (such as structural, functional, and spatial information, amino acid conservation, physicochemical variation, residue mobility, and thermodynamic stability) performed at Invitae indicates that this missense variant is expected to disrupt HRAS protein function with a positive predictive value of 95%. In summary, the available evidence is currently insufficient to determine the role of this variant in disease. Therefore, it has been classified as a Variant of Uncertain Significance.

GeneDx
Classification: Likely pathogenic. Last evaluated: 2018-02-12. Review status: criteria provided, single submitter. Criteria: GeneDx Variant Classification (06012015). Collection method: clinical testing. Allele origin: germline. Affected: yes.
Comment: The I46T variant in the HRAS gene has not been reported previously as a pathogenic variant nor as a benign variant, to our knowledge. The I46T variant is not observed in large population cohorts (Lek et al., 2016). The I46T variant is a non-conservative amino acid substitution, which is likely to impact secondary protein structure as these residues differ in polarity, charge, size and/or other properties. In-silico analyses, including protein predictors and evolutionary conservation, support a deleterious effect. We interpret I46T as a likely pathogenic variant.